The following is an entry in ClinVar:

ClinVar aggregate classification (germline): Pathogenic (1 of 4 stars; one submission).

Conditions:
Bardet-Biedl syndrome (BBS). Identifiers: Orphanet 110, MedGen C0752166, MONDO:0015229.

Submission:

Labcorp Genetics (formerly Invitae), Labcorp
Classification: Pathogenic for Bardet-Biedl syndrome. Last evaluated: 2024-04-11. Review status: criteria provided, single submitter. Criteria: Invitae Variant Classification Sherloc (09022015). Collection method: clinical testing. Allele origin: germline.
Comment: This sequence change creates a premature translational stop signal (p.Arg449Serfs*21) in the BBS9 gene. It is expected to result in an absent or disrupted protein product. Loss-of-function variants in BBS9 are known to be pathogenic (PMID: 16380913, 20177705). This variant is not present in population databases (gnomAD no frequency). This variant has not been reported in the literature in individuals affected with BBS9-related conditions. For these reasons, this variant has been classified as Pathogenic.

Literature cited by the submitters: PubMed 16380913; PubMed 20177705.

NM_198428.3(BBS9):c.1347_1348del (p.Arg449fs)

Gene: BBS9 (Bardet-Biedl syndrome 9; plus strand). Cytogenetic location: 7p14.3.
Variant type: Microsatellite.
Coding change: c.1347_1348del on transcript NM_198428.3 (MANE Select); coding-DNA positions 1347 to 1348, 2 bases deleted (AG; older notation c.1347_1348delAG).
Protein change: p.Arg449fs; shifts the reading frame from arginine 449.
Molecular consequence: frameshift variant. On other transcripts: non-coding transcript variant (3).
Genome position (GRCh38, 1-based): chr7:33,349,085-33,349,086, AG deleted; deleting any 2 consecutive bases within chr7:33,349,083-33,349,086 gives the same sequence; the c. name uses the placement nearest the transcript's 3' end. VCF-style (leftmost placement, unchanged base first): chr7-33349082-CAG-C. GRCh37 (hg19) VCF-style: chr7-33388694-CAG-C.
Other names: c.1347_1348del, p.Arg449fs (NM_001033604.2, NM_001033605.2, NM_001348036.1 and 5 more transcripts); c.981_982del, p.Arg327fs (NM_001348037.3, NM_001348044.3, NM_001348045.3 and 1 more transcripts); c.1074_1075del, p.Arg358fs (NM_001348038.3, NM_001348039.3); c.1212_1213del, p.Arg404fs (NM_001348042.3); short protein forms R358fs, R404fs, R449fs, R327fs.
Identifiers: ClinVar variation 3649585 (VCV003649585.2).
Genomic context (GRCh38, chr7:33,349,082, plus strand): 5'-TGAATAAAATGTAATTTTCTATTGATAACAATTTCTGTTTCCTTAGGTCACACTGCAGAA[CAG>C]AGTGATATTGCAAAAAGCCAAATTATCAGTCTACGTGCAACCACCATTAGAATTGACTTG-3'